The following is an entry in ClinVar:

NM_018489.3(ASH1L):c.1648G>A (p.Val550Ile)

Gene: ASH1L (ASH1 like histone lysine methyltransferase; minus strand). Cytogenetic location: 1q22.
Variant type: single nucleotide variant.
Coding change: c.1648G>A on transcript NM_018489.3 (MANE Select); coding-DNA position 1648, G replaced by A.
Protein change: p.Val550Ile; replaces valine 550 with isoleucine.
Molecular consequence: missense variant.
Genome position (GRCh38, 1-based): chr1:155,481,222, C>T on the plus strand (G>A on the coding strand, the complement: ASH1L is on the minus strand). VCF-style: chr1-155481222-C-T. GRCh37 (hg19) VCF-style: chr1-155451013-C-T.
Other names: c.1648G>A, p.Val550Ile (NM_001366177.2); short protein forms V550I.
Identifiers: ClinVar variation 4528045 (VCV004528045.1).

ClinVar aggregate classification (germline): Uncertain significance (1 of 4 stars; one submission).

gnomAD v4.1: 1 of 1,614,094 alleles (0.000062%); highest among the groups gnomAD compares: Non-Finnish European, 0.000085%; no homozygotes.

Submission:

GeneDx
Classification: Uncertain significance. Last evaluated: 2025-05-05. Review status: criteria provided, single submitter. Criteria: GeneDx Variant Classification Process June 2021. Collection method: clinical testing. Allele origin: germline. Affected: yes.
Comment: Not observed at significant frequency in large population cohorts (gnomAD); In silico analysis suggests that this missense variant does not alter protein structure/function; Has not been previously published as pathogenic or benign to our knowledge